The following is an entry in ClinVar:

NM_001349253.2(SCN11A):c.757C>T (p.Leu253=)

Gene: SCN11A (sodium voltage-gated channel alpha subunit 11; minus strand). Cytogenetic location: 3p22.2.
Variant type: single nucleotide variant.
Coding change: c.757C>T on transcript NM_001349253.2 (MANE Select); coding-DNA position 757, C replaced by T.
Protein change: p.Leu253=; no amino-acid change (leucine 253 retained).
Molecular consequence: synonymous variant.
Genome position (GRCh38, 1-based): chr3:38,921,211, G>A on the plus strand (C>T on the coding strand, the complement: SCN11A is on the minus strand). VCF-style: chr3-38921211-G-A. GRCh37 (hg19) VCF-style: chr3-38962702-G-A.
Other names: c.757C>T, p.Leu253= (NM_014139.3).
Identifiers: ClinVar variation 474756 (VCV000474756.23), dbSNP rs36084747, ClinGen allele CA2322517.
Genomic context (GRCh38, chr3:38,921,211, plus strand): 5'-GCTGACCTACCAGGGCAAAGATGCTGAGGCAAAAGAAGGTGAGGATAATCACGTTGACCA[G>A]CTTCTTCACAGAGCGTAGCAAGGCCCCCACGATGACCTTCAGACCTGAGAAAGAGGACAG-3'
Protein context (NP_001336182.1, residues 243-263): VGALLRSVKK[Leu253=]VNVIILTFFC

ClinVar aggregate classification (germline): Benign/Likely benign. Review status: criteria provided, multiple submitters, no conflicts (2 of 4 stars). 9 submissions from 9 submitters: Benign (2); Likely benign (4). 3 of the submissions do not count toward it. Last evaluated 2026-01-27.

Conditions:
SCN11A-related disorder. Also called: SCN11A-related condition.
Inborn genetic diseases. Identifiers: MedGen C0950123, MeSH D030342.
Hereditary sensory and autonomic neuropathy type 7. Also called: HSAN VII; Neuropathy, hereditary sensory and autonomic, type VII. Identifiers: Orphanet 391397, MedGen C3809882, MONDO:0014244, OMIM 615548.
Familial episodic pain syndrome with predominantly lower limb involvement. Also called: Episodic pain syndrome, familial, 3. Identifiers: Orphanet 391384, Orphanet 391392, MedGen C3809899, MONDO:0014247, OMIM 615552.

Allele frequency attached by ClinVar (database versions not stated): gnomAD exomes 0.00114 and 0.00210; ExAC 0.00236; gnomAD 0.00548 and 0.00591; 1000 Genomes Project 0.00599; 1000 Genomes Project 30x 0.00656; TOPMed 0.00671; ESP Exome Variant Server 0.00677.

Submissions (9):

Labcorp Genetics (formerly Invitae), Labcorp
Classification: Benign for Familial episodic pain syndrome with predominantly lower limb involvement; Hereditary sensory and autonomic neuropathy type 7. Last evaluated: 2026-01-27. Review status: criteria provided, single submitter. Criteria: Invitae Variant Classification Sherloc (09022015). Collection method: clinical testing. Allele origin: germline.

PreventionGenetics, part of Exact Sciences
Classification: Benign for SCN11A-related condition. Last evaluated: 2025-03-09. Review status: criteria provided, single submitter. Criteria: ACMG Guidelines, 2015. Collection method: clinical testing. Allele origin: germline.
Comment: This variant is classified as benign based on ACMG/AMP sequence variant interpretation guidelines (Richards et al. 2015 PMID: 25741868, with internal and published modifications).

Blueprint Genetics
Classification: Likely benign. Last evaluated: 2024-11-20. Review status: criteria provided, single submitter. Criteria: ACMG Guidelines, 2015. Collection method: clinical testing. Allele origin: germline.

GeneDx
Classification: Likely benign. Last evaluated: 2020-10-23. Review status: criteria provided, single submitter. Criteria: GeneDx Variant Classification Process June 2021. Collection method: clinical testing. Allele origin: germline. Affected: yes.

Ambry Genetics
Classification: Likely benign for Inborn genetic diseases. Last evaluated: 2019-07-11. Review status: criteria provided, single submitter. Criteria: Ambry Variant Classification Scheme 2023. Collection method: clinical testing. Allele origin: germline.

Breakthrough Genomics
Classification: Likely benign. Review status: criteria provided, single submitter. Criteria: ACMG Guidelines, 2015. Collection method: not provided. Allele origin: germline. Inheritance: Autosomal dominant inheritance. Affected: yes.

Clinical Genetics DNA and cytogenetics Diagnostics Lab, Erasmus MC, Erasmus Medical Center
Classification: Benign. Review status: no assertion criteria provided. Collection method: clinical testing. Allele origin: germline. Affected: yes. Study: VKGL Data-share Consensus. Not counted in ClinVar's aggregate classification.

Clinical Genetics, Academic Medical Center
Classification: Benign. Review status: no assertion criteria provided. Collection method: clinical testing. Allele origin: germline. Affected: yes. Study: VKGL Data-share Consensus. Not counted in ClinVar's aggregate classification.

Joint Genome Diagnostic Labs from Nijmegen and Maastricht, Radboudumc and MUMC+
Classification: Benign. Review status: no assertion criteria provided. Collection method: clinical testing. Allele origin: germline. Affected: yes. Study: VKGL Data-share Consensus. Not counted in ClinVar's aggregate classification.